The following is an entry in ClinVar:

ClinVar aggregate classification (germline): Uncertain significance (1 of 4 stars; one submission).

Conditions:
Spondylocostal dysostosis 5 (SCDO5). Also called: SCOLIOSIS, CONGENITAL, WITH OR WITHOUT RIB ANOMALIES. Identifiers: MedGen C4083048, MONDO:0007389, OMIM 122600.

gnomAD v4.1: 1 of 1,580,710 alleles (0.000063%); highest among the groups gnomAD compares: African/African-American, 0.0014%; no homozygotes.

Submission:

Baylor Genetics
Classification: Uncertain significance for Spondylocostal dysostosis 5. Last evaluated: 2019-11-15. Review status: criteria provided, single submitter. Criteria: ACMG Guidelines, 2015. Collection method: clinical testing. Allele origin: unknown. Affected: yes.
Comment: This variant was determined to be of uncertain significance according to ACMG Guidelines, 2015 [PMID:25741868].

NM_004608.4(TBX6):c.1174G>T (p.Gly392Trp)

Gene: TBX6 (T-box transcription factor 6; minus strand). Cytogenetic location: 16p11.2.
Variant type: single nucleotide variant.
Coding change: c.1174G>T on transcript NM_004608.4 (MANE Select); coding-DNA position 1174, G replaced by T.
Protein change: p.Gly392Trp; replaces glycine 392 with tryptophan.
Molecular consequence: missense variant.
Genome position (GRCh38, 1-based): chr16:30,086,362, C>A on the plus strand (G>T on the coding strand, the complement: TBX6 is on the minus strand). VCF-style: chr16-30086362-C-A. GRCh37 (hg19) VCF-style: chr16-30097683-C-A.
Other names: short protein forms G392W.
Identifiers: ClinVar variation 1028280 (VCV001028280.1), dbSNP rs773515679, ClinGen allele CA395512735.